The following is an entry in ClinVar:

NM_138386.3(NAF1):c.1243A>C (p.Asn415His)

Gene: NAF1 (nuclear assembly factor 1 ribonucleoprotein; minus strand). Cytogenetic location: 4q32.2.
Variant type: single nucleotide variant.
Coding change: c.1243A>C on transcript NM_138386.3 (MANE Select); coding-DNA position 1243, A replaced by C.
Protein change: p.Asn415His; replaces asparagine 415 with histidine.
Molecular consequence: missense variant. On other transcripts: intron variant (1).
Genome position (GRCh38, 1-based): chr4:163,129,139, T>G on the plus strand (A>C on the coding strand, the complement: NAF1 is on the minus strand). VCF-style: chr4-163129139-T-G. GRCh37 (hg19) VCF-style: chr4-164050291-T-G.
Other names: c.1034-2024A>C (NM_001128931.2); short protein forms N415H.
Identifiers: ClinVar variation 4751260 (VCV004751260.1).

ClinVar aggregate classification (germline): Uncertain significance (1 of 4 stars; one submission).

gnomAD v4.1: 2 of 1,613,912 alleles (0.00012%); no homozygotes.

Submission:

Labcorp Genetics (formerly Invitae), Labcorp
Classification: Uncertain significance. Last evaluated: 2025-07-08. Review status: criteria provided, single submitter. Criteria: Invitae Variant Classification Sherloc (09022015). Collection method: clinical testing. Allele origin: germline.
Comment: This sequence change replaces asparagine, which is neutral and polar, with histidine, which is basic and polar, at codon 415 of the NAF1 protein (p.Asn415His). This variant is not present in population databases (gnomAD no frequency). This variant has not been reported in the literature in individuals affected with NAF1-related conditions. An algorithm developed to predict the effect of missense changes on protein structure and function (PolyPhen-2) suggests that this variant is likely to be tolerated. In summary, the available evidence is currently insufficient to determine the role of this variant in disease. Therefore, it has been classified as a Variant of Uncertain Significance.